The following is an entry in ClinVar:

NM_016239.4(MYO15A):c.5870C>A (p.Ser1957Tyr)

Gene: MYO15A (myosin XVA; plus strand). Cytogenetic location: 17p11.2.
Variant type: single nucleotide variant.
Coding change: c.5870C>A on transcript NM_016239.4 (MANE Select); coding-DNA position 5870, C replaced by A.
Protein change: p.Ser1957Tyr; replaces serine 1957 with tyrosine.
Molecular consequence: missense variant.
Genome position (GRCh38, 1-based): chr17:18,142,800, C>A. VCF-style: chr17-18142800-C-A. GRCh37 (hg19) VCF-style: chr17-18046114-C-A.
Other names: short protein forms S1957Y.
Identifiers: ClinVar variation 228961 (VCV000228961.5), dbSNP rs876657901, ClinGen allele CA10577021.

ClinVar aggregate classification (germline): Uncertain significance. Review status: criteria provided, multiple submitters, no conflicts (2 of 4 stars). 2 submissions from 2 submitters: Uncertain significance (2). Last evaluated 2023-11-03.

Allele frequency attached by ClinVar (database versions not stated): gnomAD exomes 0.00002.
gnomAD v4.1: 13 of 1,613,650 alleles (0.00081%); highest among the groups gnomAD compares: Admixed American, 0.0033%; no homozygotes.

Submissions (2):

Blueprint Genetics
Classification: Uncertain significance. Last evaluated: 2023-11-03. Review status: criteria provided, single submitter. Criteria: ACMG Guidelines, 2015. Collection method: clinical testing. Allele origin: germline.

Laboratory for Molecular Medicine, Mass General Brigham Personalized Medicine
Classification: Uncertain significance. Last evaluated: 2014-12-24. Review status: criteria provided, single submitter. Criteria: LMM Criteria. Collection method: clinical testing. Allele origin: germline. Observed: 1 variant allele.
Comment: The p.Ser1957Tyr variant in MYO15A has not been previously reported in individua ls with hearing loss and was absent from large population studies. Computational prediction tools and conservation analyses do not provide strong support for or against an impact to the protein. In summary, the clinical significance of the p.Ser1957Tyr variant is uncertain.